The following is an entry in ClinVar:

NM_006231.4(POLE):c.5917G>A (p.Glu1973Lys)

Gene: POLE (DNA polymerase epsilon, catalytic subunit; minus strand). Cytogenetic location: 12q24.33.
Variant type: single nucleotide variant.
Coding change: c.5917G>A on transcript NM_006231.4 (MANE Select); coding-DNA position 5917, G replaced by A.
Protein change: p.Glu1973Lys; replaces glutamic acid 1973 with lysine.
Molecular consequence: missense variant.
Genome position (GRCh38, 1-based): chr12:132,634,273, C>T on the plus strand (G>A on the coding strand, the complement: POLE is on the minus strand). VCF-style: chr12-132634273-C-T. GRCh37 (hg19) VCF-style: chr12-133210859-C-T.
Other names: short protein forms E1973K.
Identifiers: ClinVar variation 3225494 (VCV003225494.2), dbSNP rs7487595, ClinGen allele CA387371601.
Genomic context (GRCh38, chr12:132,634,273, plus strand): 5'-GGCAGGAGGCTGCCTGTGGCAAAAACTGCAAAATGTTCCAGTTGTTTTCCAGTAAATCCT[C>T]CACGTTGGATTCCTCCGCCTCTTCCTCCTCCTCCCCATCTCTTTCCTCCTCATCGTCCTC-3'
Protein context (NP_006222.2, residues 1963-1983): EEEEAEESNV[Glu1973Lys]DLLENNWNIL

ClinVar aggregate classification (germline): Uncertain significance. Review status: criteria provided, multiple submitters, no conflicts (2 of 4 stars). 2 submissions from 2 submitters: Uncertain significance (2). Last evaluated 2026-03-08.

Conditions:
Hereditary cancer-predisposing syndrome. Also called: Tumor predisposition; Neoplastic Syndromes, Hereditary; Hereditary Cancer Syndrome; Hereditary neoplastic syndrome. Identifiers: Orphanet 140162, MedGen C0027672, MeSH D009386, MONDO:0015356.

Submissions (2):

GeneDx
Classification: Uncertain significance. Last evaluated: 2026-03-08. Review status: criteria provided, single submitter. Criteria: GeneDx Variant Classification Process June 2021. Collection method: clinical testing. Allele origin: germline.
Comment: Not observed at significant frequency in large population cohorts (gnomAD); In silico analysis suggests that this missense variant does not alter protein structure/function; Has not been previously published as pathogenic or benign to our knowledge

Ambry Genetics
Classification: Uncertain significance for Hereditary cancer-predisposing syndrome. Last evaluated: 2024-02-23. Review status: criteria provided, single submitter. Criteria: Ambry Variant Classification Scheme 2023. Collection method: clinical testing. Allele origin: germline.
Comment: The p.E1973K variant (also known as c.5917G>A), located in coding exon 43 of the POLE gene, results from a G to A substitution at nucleotide position 5917. The glutamic acid at codon 1973 is replaced by lysine, an amino acid with similar properties. This amino acid position is conserved. In addition, this alteration is predicted to be deleterious by in silico analysis. Based on the available evidence, the clinical significance of this alteration remains unclear.